The following is an entry in ClinVar:

NM_001048174.2(MUTYH):c.990C>G (p.Phe330Leu)

Gene: MUTYH (mutY DNA glycosylase; minus strand). Cytogenetic location: 1p34.1.
Variant type: single nucleotide variant.
Coding change: c.990C>G on transcript NM_001048174.2 (MANE Select); coding-DNA position 990, C replaced by G.
Protein change: p.Phe330Leu; replaces phenylalanine 330 with leucine.
Molecular consequence: missense variant. On other transcripts: non-coding transcript variant (7).
Genome position (GRCh38, 1-based): chr1:45,331,773, G>C on the plus strand (C>G on the coding strand, the complement: MUTYH is on the minus strand). VCF-style: chr1-45331773-G-C. GRCh37 (hg19) VCF-style: chr1-45797445-G-C.
Other names: c.990C>G, p.Phe330Leu (NM_001407070.1, NM_001407072.1, NM_001407073.1 and 6 more transcripts); c.993C>G, p.Phe331Leu (NM_001407071.1, NM_001407086.1, NM_001407078.1 and 1 more transcripts); c.906C>G, p.Phe302Leu (NM_001407075.1); c.1023C>G, p.Phe341Leu (NM_001407077.1, NM_001293191.2, NM_001407069.1); c.714C>G, p.Phe238Leu (NM_001293192.2, NM_001293196.2, NM_001407091.1); c.645C>G, p.Phe215Leu (NM_001350650.2, NM_001350651.2, NM_001407082.1); c.1032C>G, p.Phe344Leu (NM_001407083.1, NM_001407085.1); c.1011C>G, p.Phe337Leu (NM_001407087.1); and 5 more; short protein forms F316L, F317L, F341L, F355L, F238L, F302L, F344L, F330L.
Identifiers: ClinVar variation 4112803 (VCV004112803.1).

ClinVar aggregate classification (germline): Uncertain significance (1 of 4 stars; one submission).

Conditions:
Hereditary cancer-predisposing syndrome. Also called: Tumor predisposition; Neoplastic Syndromes, Hereditary; Hereditary neoplastic syndrome; Hereditary Cancer Syndrome. Identifiers: Orphanet 140162, MedGen C0027672, MeSH D009386, MONDO:0015356.

Submission:

Ambry Genetics
Classification: Uncertain significance for Hereditary cancer-predisposing syndrome. Last evaluated: 2025-08-27. Review status: criteria provided, single submitter. Criteria: Ambry Variant Classification Scheme 2023. Collection method: clinical testing. Allele origin: germline.
Comment: The p.F358L variant (also known as c.1074C>G), located in coding exon 12 of the MUTYH gene, results from a C to G substitution at nucleotide position 1074. The phenylalanine at codon 358 is replaced by leucine, an amino acid with highly similar properties. This amino acid position is conserved. In addition, this alteration is predicted to be tolerated by in silico analysis. Based on the available evidence, the clinical significance of this variant remains unclear.